The following is an entry in ClinVar:

ClinVar aggregate classification (germline): Likely benign (0 of 4 stars; one submission).

Allele frequency attached by ClinVar (database versions not stated): TOPMed below 0.00001; gnomAD exomes 0.00001 and 0.00004; ExAC 0.00002; gnomAD 0.00005.
gnomAD v4.1: 59 of 1,613,554 alleles (0.0037%); highest among the groups gnomAD compares: Non-Finnish European, 0.0049%; no homozygotes.

Submission:

Department of Pathology and Laboratory Medicine, Sinai Health System
Classification: Likely benign. Review status: no assertion criteria provided. Collection method: clinical testing. Allele origin: unknown. Affected: yes. Study: The Canadian Open Genetics Repository (COGR).
Comment: The VPS13A p.Glu2594Lys variant was not identified in the literature nor was it identified in ClinVar, Cosmic or LOVD 3.0. The variant was identified in dbSNP (ID: rs746604299) and in control databases in 8 of 282546 chromosomes at a frequency of 0.000028 (Genome Aggregation Database March 6, 2019, v2.1.1). The variant was observed in the European (non-Finnish) population in 8 of 128990 chromosomes (freq: 0.000062), but was not observed in the African, Latino, Ashkenazi Jewish, East Asian, European (Finnish), Other and South Asian populations. The p.Glu2594 residue is conserved in mammals but not in more distantly related organisms however four out of five computational analyses (PolyPhen-2, SIFT, AlignGVGD, BLOSUM, MutationTaster) do not suggest a high likelihood of impact to the protein; this information is not predictive enough to rule out pathogenicity. The variant occurs outside of the splicing consensus sequence and in silico or computational prediction software programs (SpliceSiteFinder, MaxEntScan, NNSPLICE, GeneSplicer) do not predict a difference in splicing. In summary, based on the above information the clinical significance of this variant cannot be determined with certainty at this time. This variant is classified as a variant of uncertain significance.

NM_033305.3(VPS13A):c.7897G>A (p.Glu2633Lys)

Gene: VPS13A (vacuolar protein sorting 13 homolog A; plus strand). Cytogenetic location: 9q21.2.
Variant type: single nucleotide variant.
Coding change: c.7897G>A on transcript NM_033305.3 (MANE Select); coding-DNA position 7897, G replaced by A.
Protein change: p.Glu2633Lys; replaces glutamic acid 2633 with lysine.
Molecular consequence: missense variant.
Genome position (GRCh38, 1-based): chr9:77,357,782, G>A. VCF-style: chr9-77357782-G-A. GRCh37 (hg19) VCF-style: chr9-79972698-G-A.
Other names: c.7780G>A, p.Glu2594Lys (NM_001018037.2); c.7897G>A, p.Glu2633Lys (NM_001018038.3, NM_015186.4); short protein forms E2594K, E2633K.
Identifiers: ClinVar variation 1048899 (VCV001048899.1), dbSNP rs746604299, ClinGen allele CA5093468.
Genomic context (GRCh38, chr9:77,357,782, plus strand): 5'-AAAATTCTGCAGCCGCATGTAATAGCTCTACGAAGAAATTATCTTCCAGCATTAAAAGTG[G>A]AATATAACACATCTGCACATCAATCATCATTTAGAATTCAGATTTACAGAATACAGGTAA-3'
Protein context (NP_150648.2, residues 2623-2643): RRNYLPALKV[Glu2633Lys]YNTSAHQSSF